The following is an entry in ClinVar:

NM_004959.5(NR5A1):c.541G>A (p.Ala181Thr)

Gene: NR5A1 (nuclear receptor subfamily 5 group A member 1; minus strand). Cytogenetic location: 9q33.3.
Variant type: single nucleotide variant.
Coding change: c.541G>A on transcript NM_004959.5 (MANE Select); coding-DNA position 541, G replaced by A.
Protein change: p.Ala181Thr; replaces alanine 181 with threonine.
Molecular consequence: missense variant.
Genome position (GRCh38, 1-based): chr9:124,500,419, C>T on the plus strand (G>A on the coding strand, the complement: NR5A1 is on the minus strand). VCF-style: chr9-124500419-C-T. GRCh37 (hg19) VCF-style: chr9-127262698-C-T.
Other names: short protein forms A181T.
Identifiers: ClinVar variation 4819940 (VCV004819940.1).

ClinVar aggregate classification (germline): Likely benign (1 of 4 stars; one submission).

Conditions:
46,XX sex reversal 4 (SRXX4). Also called: 46,XX SEX REVERSAL, SRY-NEGATIVE; 46, XX sex reversal 4. Identifiers: MedGen C4479552, MONDO:0060489, OMIM 617480.

Submission:

Centre for Medical Genetics,  Mumbai
Classification: Likely benign for 46,XX sex reversal 4. Last evaluated: 2026-03-23. Review status: criteria provided, single submitter. Criteria: ACMG Guidelines, 2015. Collection method: provider interpretation. Allele origin: germline. Inheritance: Autosomal dominant inheritance. Affected: no. Observed: 1 variant allele, 1 heterozygote.
Comment: The variant satisfies PM2 criteria; Extremely low frequency in gnomAD population databases. The variant satisfies PP2 criteria; Missense variant in a gene with low rate of benign missense mutations and for which missense mutation is a common mechanism of a disease. However, the variant satisfies BS2 criteria.

Literature cited by the submitters: PubMed 27378692.